The following is an entry in ClinVar:

NM_031418.4(ANO3):c.1384A>G (p.Lys462Glu)

Gene: ANO3 (anoctamin 3; plus strand). Cytogenetic location: 11p14.2.
Variant type: single nucleotide variant.
Coding change: c.1384A>G on transcript NM_031418.4 (MANE Select); coding-DNA position 1384, A replaced by G.
Protein change: p.Lys462Glu; replaces lysine 462 with glutamic acid.
Molecular consequence: missense variant.
Genome position (GRCh38, 1-based): chr11:26,553,343, A>G. VCF-style: chr11-26553343-A-G. GRCh37 (hg19) VCF-style: chr11-26574890-A-G.
Other names: c.1567A>G, p.Lys523Glu (NM_001313726.2); c.946A>G, p.Lys316Glu (NM_001313727.2); short protein forms K316E, K523E, K462E.
Identifiers: ClinVar variation 3720929 (VCV003720929.2).

ClinVar aggregate classification (germline): Uncertain significance (1 of 4 stars; one submission).

Conditions:
Dystonic disorder. Also called: Dystonia. Identifiers: MedGen C0013421, MONDO:0003441, HP:0001332.

Submission:

Labcorp Genetics (formerly Invitae), Labcorp
Classification: Uncertain significance for Dystonic disorder. Last evaluated: 2024-10-08. Review status: criteria provided, single submitter. Criteria: Invitae Variant Classification Sherloc (09022015). Collection method: clinical testing. Allele origin: germline.
Comment: This sequence change replaces lysine, which is basic and polar, with glutamic acid, which is acidic and polar, at codon 462 of the ANO3 protein (p.Lys462Glu). This variant is not present in population databases (gnomAD no frequency). This variant has not been reported in the literature in individuals affected with ANO3-related conditions. Invitae Evidence Modeling of protein sequence and biophysical properties (such as structural, functional, and spatial information, amino acid conservation, physicochemical variation, residue mobility, and thermodynamic stability) has been performed for this missense variant. However, the output from this modeling did not meet the statistical confidence thresholds required to predict the impact of this variant on ANO3 protein function. In summary, the available evidence is currently insufficient to determine the role of this variant in disease. Therefore, it has been classified as a Variant of Uncertain Significance.